The following is an entry in ClinVar:

NM_001322934.2(NFKB2):c.1581C>A (p.His527Gln)

Gene: NFKB2 (nuclear factor kappa B subunit 2; plus strand). Cytogenetic location: 10q24.32.
Variant type: single nucleotide variant.
Coding change: c.1581C>A on transcript NM_001322934.2 (MANE Select); coding-DNA position 1581, C replaced by A.
Protein change: p.His527Gln; replaces histidine 527 with glutamine.
Molecular consequence: missense variant.
Genome position (GRCh38, 1-based): chr10:102,400,191, C>A. VCF-style: chr10-102400191-C-A. GRCh37 (hg19) VCF-style: chr10-104159948-C-A.
Other names: c.1581C>A, p.His527Gln (NM_001077493.1, NM_001077494.3, NM_001261403.3 and 2 more transcripts); c.1455C>A, p.His485Gln (NM_001322935.1); short protein forms H527Q, H485Q.
Identifiers: ClinVar variation 2809104 (VCV002809104.3), dbSNP rs764708514, ClinGen allele CA5664845.
Genomic context (GRCh38, chr10:102,400,191, plus strand): 5'-AGTCTATGTCATCCACCACGCCCAGGACCTCGGCGTTGTCAACCTCACCAACCACCTGCA[C>A]CAGGTGCGGGGGCGCCTACTGGGGAGGTGGGAGGGGTTGGAAGGCAAGTGGGTCTCGGGC-3'
Protein context (NP_001309863.1, residues 517-537): LGVVNLTNHL[His527Gln]QTPLHLAVIT

ClinVar aggregate classification (germline): Uncertain significance (1 of 4 stars; one submission).

Conditions:
Immunodeficiency, common variable, 10. Also called: IMMUNODEFICIENCY, COMMON VARIABLE, WITH CENTRAL ADRENAL INSUFFICIENCY; DEFICIT IN ANTERIOR PITUITARY FUNCTION AND VARIABLE IMMUNODEFICIENCY. Identifiers: MedGen C3809991, MONDO:0014260, OMIM 615577.

Allele frequency attached by ClinVar (database versions not stated): TOPMed below 0.00001; gnomAD 0.00001.

Submission:

Labcorp Genetics (formerly Invitae), Labcorp
Classification: Uncertain significance for Immunodeficiency, common variable, 10. Last evaluated: 2022-10-20. Review status: criteria provided, single submitter. Criteria: Invitae Variant Classification Sherloc (09022015). Collection method: clinical testing. Allele origin: germline.
Comment: This sequence change replaces histidine, which is basic and polar, with glutamine, which is neutral and polar, at codon 527 of the NFKB2 protein (p.His527Gln). This variant is present in population databases (rs764708514, gnomAD 0.002%). This variant has not been reported in the literature in individuals affected with NFKB2-related conditions. Algorithms developed to predict the effect of missense changes on protein structure and function output the following: SIFT: "Tolerated"; PolyPhen-2: "Benign"; Align-GVGD: "Class C0". The glutamine amino acid residue is found in multiple mammalian species, which suggests that this missense change does not adversely affect protein function. In summary, the available evidence is currently insufficient to determine the role of this variant in disease. Therefore, it has been classified as a Variant of Uncertain Significance.